The following is an entry in ClinVar:

ClinVar aggregate classification (germline): Uncertain significance. Review status: criteria provided, multiple submitters, no conflicts (2 of 4 stars). 2 submissions from 2 submitters: Uncertain significance (2). Last evaluated 2024-01-03.

Conditions:
Autosomal dominant nonsyndromic hearing loss 65. Also called: Deafness, autosomal dominant 65; TBC1D24-Related Autosomal Dominant Nonsyndromic Hearing Loss (DFNA). Identifiers: Orphanet 90635, MedGen C3892048, MONDO:0014470, OMIM 616044.
Developmental and epileptic encephalopathy, 1 (DEE1). Also called: Epileptic encephalopathy, early infantile, 1; X-linked infantile spasms; West's syndrome; Tonic spasms with clustering, arrest of psychomotor development and hypsarrhythmia on EEG; X-Linked Infantile Spasm Syndrome; OHTAHARA SYNDROME, X-LINKED. Identifiers: MedGen C3463992, MONDO:0010632, OMIM 308350. Disease mechanism: loss of function.
Inborn genetic diseases. Identifiers: MedGen C0950123, MeSH D030342.

Allele frequency attached by ClinVar (database versions not stated): TOPMed 0.00001.
gnomAD v4.1: 1 of 1,601,254 alleles (0.000062%); no homozygotes.

Submissions (2):

Labcorp Genetics (formerly Invitae), Labcorp
Classification: Uncertain significance for Developmental and epileptic encephalopathy, 1; Autosomal dominant nonsyndromic hearing loss 65. Last evaluated: 2024-01-03. Review status: criteria provided, single submitter. Criteria: Invitae Variant Classification Sherloc (09022015). Collection method: clinical testing. Allele origin: germline.
Comment: This sequence change replaces serine, which is neutral and polar, with asparagine, which is neutral and polar, at codon 322 of the TBC1D24 protein (p.Ser322Asn). This variant also falls at the last nucleotide of exon 2, which is part of the consensus splice site for this exon. This variant is not present in population databases (gnomAD no frequency). This variant has not been reported in the literature in individuals affected with TBC1D24-related conditions. ClinVar contains an entry for this variant (Variation ID: 588442). An algorithm developed to predict the effect of missense changes on protein structure and function (PolyPhen-2) suggests that this variant is likely to be disruptive. Variants that disrupt the consensus splice site are a relatively common cause of aberrant splicing (PMID: 17576681, 9536098). In summary, the available evidence is currently insufficient to determine the role of this variant in disease. Therefore, it has been classified as a Variant of Uncertain Significance.

Ambry Genetics
Classification: Uncertain significance for Inborn genetic diseases. Last evaluated: 2016-11-16. Review status: criteria provided, single submitter. Criteria: Ambry Variant Classification Scheme 2023. Collection method: clinical testing. Allele origin: germline.
Comment: The c.965G>A variant (also known as p.S322N), located in coding exon 1 of the TBC1D24 gene, results from a G to A substitution at nucleotide position 965. The amino acid change results in serine to asparagine at codon 322, an amino acid with highly similar properties. However, this change occurs in the last base pair of coding exon 1, which makes it likely to have some effect on normal mRNA splicing. This variant was not reported in population based cohorts in the following databases: Database of Single Nucleotide Polymorphisms (dbSNP), NHLBI Exome Sequencing Project (ESP), and 1000 Genomes Project. In the ESP, this variant was not observed in 6219 samples (12438 alleles) with coverage at this position. Both the nucleotide and amino acid positions are highly conserved in available vertebrate species. Using the BDGP and ESEfinder splice site prediction tools, this alteration is predicted to weaken the efficiency of the native splice donor site; however, direct evidence is unavailable. In addition, this alteration is predicted to be tolerated by in silico analysis. Since supporting evidence is limited at this time, the clinical significance of this variant remains unclear.

Literature cited by the submitters: PubMed 17576681 (cited by Labcorp Genetics (formerly Invitae), Labcorp); PubMed 9536098 (cited by Labcorp Genetics (formerly Invitae), Labcorp).

NM_001199107.2(TBC1D24):c.965G>A (p.Ser322Asn)

Gene: TBC1D24 (TBC1 domain family member 24; plus strand). Cytogenetic location: 16p13.3.
Variant type: single nucleotide variant.
Coding change: c.965G>A on transcript NM_001199107.2 (MANE Select); coding-DNA position 965, G replaced by A.
Protein change: p.Ser322Asn; replaces serine 322 with asparagine.
Molecular consequence: missense variant.
Genome position (GRCh38, 1-based): chr16:2,497,113, G>A. VCF-style: chr16-2497113-G-A. GRCh37 (hg19) VCF-style: chr16-2547114-G-A.
Other names: c.965G>A, p.Arg322Lys (NM_020705.3); short protein forms S322N, R322K.
Identifiers: ClinVar variation 588442 (VCV000588442.13), dbSNP rs1567412410, ClinGen allele CA394378205.